The following is an entry in ClinVar:

ClinVar aggregate classification (germline): Uncertain significance (1 of 4 stars; one submission).

Conditions:
Cardiovascular phenotype. Identifiers: MedGen CN230736.

Submission:

Ambry Genetics
Classification: Uncertain significance for Cardiovascular phenotype. Last evaluated: 2019-12-10. Review status: criteria provided, single submitter. Criteria: Ambry Variant Classification Scheme 2023. Collection method: clinical testing. Allele origin: germline.
Comment: The p.P147S variant (also known as c.439C>T), located in coding exon 7 of the EYA4 gene, results from a C to T substitution at nucleotide position 439. The proline at codon 147 is replaced by serine, an amino acid with similar properties. This amino acid position is highly conserved in available vertebrate species. In addition, the in silico prediction for this alteration is inconclusive. Since supporting evidence is limited at this time, the clinical significance of this alteration remains unclear.

NM_004100.5(EYA4):c.439C>T (p.Pro147Ser)

Gene: EYA4 (EYA transcriptional coactivator and phosphatase 4; plus strand). Cytogenetic location: 6q23.2.
Variant type: single nucleotide variant.
Coding change: c.439C>T on transcript NM_004100.5 (MANE Select); coding-DNA position 439, C replaced by T.
Protein change: p.Pro147Ser; replaces proline 147 with serine.
Molecular consequence: missense variant.
Genome position (GRCh38, 1-based): chr6:133,462,336, C>T. VCF-style: chr6-133462336-C-T. GRCh37 (hg19) VCF-style: chr6-133783474-C-T.
Other names: c.277C>T, p.Pro93Ser (NM_001301012.2, NM_001370459.1); c.439C>T, p.Pro147Ser (NM_001301013.2, NM_172105.4); c.370C>T, p.Pro124Ser (NM_001370458.1, NM_172103.4); short protein forms P147S, P93S, P124S.
Identifiers: ClinVar variation 1740279 (VCV001740279.2), dbSNP rs2534558833, ClinGen allele CA365697391.